The following is an entry in ClinVar:

NM_015325.3(ICE1):c.3197C>T (p.Thr1066Ile)

Gene: ICE1 (interactor of little elongation complex ELL subunit 1; plus strand). Cytogenetic location: 5p15.32.
Variant type: single nucleotide variant.
Coding change: c.3197C>T on transcript NM_015325.3 (MANE Select); coding-DNA position 3197, C replaced by T.
Protein change: p.Thr1066Ile; replaces threonine 1066 with isoleucine.
Molecular consequence: missense variant.
Genome position (GRCh38, 1-based): chr5:5,462,531, C>T. VCF-style: chr5-5462531-C-T. GRCh37 (hg19) VCF-style: chr5-5462644-C-T.
Other names: short protein forms T1066I.
Identifiers: ClinVar variation 3029033 (VCV003029033.2), dbSNP rs779179049, ClinGen allele CA3191080.

ClinVar aggregate classification (germline): Uncertain significance (0 of 4 stars; one submission).

Conditions:
ICE1-related disorder. Also called: ICE1-related condition.

Allele frequency attached by ClinVar (database versions not stated): gnomAD 0.00001; TOPMed 0.00001.
gnomAD v4.1: 8 of 1,613,866 alleles (0.0005%); highest among the groups gnomAD compares: Admixed American, 0.01%; no homozygotes.

Submission:

PreventionGenetics, part of Exact Sciences
Classification: Uncertain significance for ICE1-related condition. Last evaluated: 2023-12-11. Review status: no assertion criteria provided. Collection method: clinical testing. Allele origin: germline.
Comment: The ICE1 c.3197C>T variant is predicted to result in the amino acid substitution p.Thr1066Ile. To our knowledge, this variant has not been reported in the literature. This variant is reported in 0.0087% of alleles in individuals of Latino descent in gnomAD. At this time, the clinical significance of this variant is uncertain due to the absence of conclusive functional and genetic evidence.